The following is an entry in ClinVar:

ClinVar aggregate classification (germline): Benign/Likely benign. Review status: criteria provided, multiple submitters, no conflicts (2 of 4 stars). 3 submissions from 3 submitters: Benign (1); Likely benign (2). Last evaluated 2026-02-01.

Allele frequency attached by ClinVar (database versions not stated): 1000 Genomes Project 0.00240; 1000 Genomes Project 30x 0.00265; gnomAD 0.00290 and 0.00319; gnomAD exomes 0.00031 and 0.00073; ExAC 0.00092; TOPMed 0.00334; ESP Exome Variant Server 0.00338.
gnomAD v4.1: 888 of 1,576,226 alleles (0.056%); highest among the groups gnomAD compares: African/African-American, 1.1%; no homozygotes.

Submissions (3):

CeGaT Center for Human Genetics Tuebingen
Classification: Likely benign. Last evaluated: 2026-02-01. Review status: criteria provided, single submitter. Criteria: CeGaT Center For Human Genetics Tuebingen Variant Classification Criteria Version 2. Collection method: clinical testing. Allele origin: germline. Affected: yes. Observed: 2 variant alleles.
Comment: JAK2: BS1

Blueprint Genetics
Classification: Likely benign. Last evaluated: 2024-11-27. Review status: criteria provided, single submitter. Criteria: ACMG Guidelines, 2015. Collection method: clinical testing. Allele origin: germline.

Genetic Services Laboratory, University of Chicago
Classification: Benign. Last evaluated: 2021-03-05. Review status: criteria provided, single submitter. Criteria: ACMG Guidelines, 2015. Collection method: clinical testing. Allele origin: germline. Affected: no.

NM_004972.4(JAK2):c.*4A>C

Genes: JAK2 (Janus kinase 2; plus strand), INSL6 (insulin like 6; minus strand). Cytogenetic location: 9p24.1.
Variant type: single nucleotide variant.
Coding change: c.*4A>C on transcript NM_004972.4 (MANE Select); 4 bases downstream of the stop codon, A replaced by C.
Molecular consequence: 3 prime UTR variant. On other transcripts: non-coding transcript variant (2).
Genome position (GRCh38, 1-based): chr9:5,126,795, A>C. VCF-style: chr9-5126795-A-C. GRCh37 (hg19) VCF-style: chr9-5126795-A-C.
Other names: c.*4A>C (NM_001322194.2, NM_001322195.2, NM_001322196.2 and 3 more transcripts).
Identifiers: ClinVar variation 1336052 (VCV001336052.29), dbSNP rs114173032, ClinGen allele CA4972447.